The following is an entry in ClinVar:

NM_000077.5(CDKN2A):c.296G>A (p.Arg99Gln)

Gene: CDKN2A (cyclin dependent kinase inhibitor 2A; minus strand). Cytogenetic location: 9p21.3.
Variant type: single nucleotide variant.
Coding change: c.296G>A on transcript NM_000077.5; coding-DNA position 296, G replaced by A.
Protein change: p.Arg99Gln; replaces arginine 99 with glutamine.
Molecular consequence: missense variant (on NM_000077.6). On other transcripts: synonymous variant (1), 3 prime UTR variant (1).
Genome position (GRCh38, 1-based): chr9:21,971,063, C>T on the plus strand (G>A on the coding strand, the complement: CDKN2A is on the minus strand). VCF-style: chr9-21971063-C-T. GRCh37 (hg19) VCF-style: chr9-21971062-C-T.
Other names: c.296G>A, p.Arg99Gln (NM_000077.6, NM_001195132.2); c.143G>A, p.Arg48Gln (NM_001363763.2); c.339G>A, p.Pro113= (NM_058195.4); c.*219G>A (NM_058197.5); short protein forms R99Q, R48Q.
Identifiers: ClinVar variation 628568 (VCV000628568.18), dbSNP rs754806883, ClinGen allele CA5012193.

ClinVar aggregate classification (germline): Conflicting classifications of pathogenicity. Review status: criteria provided, conflicting classifications (1 of 4 stars). 5 submissions from 5 submitters: Uncertain significance (4); Benign (1). Last evaluated 2023-10-05.

Conditions:
Hereditary cancer-predisposing syndrome. Also called: Tumor predisposition; Neoplastic Syndromes, Hereditary; Hereditary Cancer Syndrome; Hereditary neoplastic syndrome. Identifiers: Orphanet 140162, MedGen C0027672, MeSH D009386, MONDO:0015356.
Familial melanoma. Also called: Hereditary melanoma; Hereditary cutaneous melanoma. Identifiers: Orphanet 618, MedGen C1512419, MONDO:0018961.
Ovarian cancer. Also called: OVARIAN CANCER, SOMATIC. Identifiers: Orphanet 213500, MedGen C1140680, MONDO:0008170, OMIM 167000.

Allele frequency attached by ClinVar (database versions not stated): gnomAD exomes below 0.00001.
gnomAD v4.1: 4 of 1,605,378 alleles (0.00025%); highest among the groups gnomAD compares: Admixed American, 0.0033%; no homozygotes.

Submissions (5):

Labcorp Genetics (formerly Invitae), Labcorp
Classification: Uncertain significance for Familial melanoma. Last evaluated: 2023-10-05. Review status: criteria provided, single submitter. Criteria: Invitae Variant Classification Sherloc (09022015). Collection method: clinical testing. Allele origin: germline.
Comment: This sequence change replaces arginine, which is basic and polar, with glutamine, which is neutral and polar, at codon 99 of the CDKN2A (p16INK4a) protein (p.Arg99Gln). The frequency data for this variant in the population databases is considered unreliable, as metrics indicate poor data quality at this position in the gnomAD database. This missense change has been observed in individual(s) with acute lymphoblastic leukemia (PMID: 26104880). ClinVar contains an entry for this variant (Variation ID: 628568). An algorithm developed to predict the effect of missense changes on protein structure and function (PolyPhen-2) suggests that this variant¬†is likely to be tolerated. This variant disrupts the p.Arg99 amino acid residue in CDKN2A (p16INK4a). Other variant(s) that disrupt this residue have been determined to be pathogenic (PMID: 9425228, 17047042, 19260062, 20340316, 21462282, 22841127, 24660985). This suggests that this residue is clinically significant, and that variants that disrupt this residue are likely to be disease-causing. In summary, the available evidence is currently insufficient to determine the role of this variant in disease. Therefore, it has been classified as a Variant of Uncertain Significance.

Ambry Genetics
Classification: Uncertain significance for Hereditary cancer-predisposing syndrome. Last evaluated: 2023-06-05. Review status: criteria provided, single submitter. Criteria: Ambry Variant Classification Scheme 2023. Collection method: clinical testing. Allele origin: germline.
Comment: The p.R99Q variant (also known as c.296G>A), located in coding exon 2 of the CDKN2A gene, results from a G to A substitution at nucleotide position 296. The arginine at codon 99 is replaced by glutamine, an amino acid with highly similar properties. This alteration was reported in an individual with acute lymphoblastic leukemia; however, limited clinical information was provided (Xu H et al. Nat Commun, 2015 Jun;6:7553). This alteration was also identified in an individual diagnosed with breast cancer (Liu Y et al. Pathol Oncol Res, 2020 Jan;26:491-497). This amino acid position is not well conserved in available vertebrate species. In addition, this alteration is predicted to be tolerated by in silico analysis. Since supporting evidence is limited at this time, the clinical significance of this alteration remains unclear.

Laboratory of Molecular Epidemiology of Birth Defects, West China Second University Hospital, Sichuan University
Classification: Benign for Ovarian cancer. Last evaluated: 2022-01-01. Review status: criteria provided, single submitter. Criteria: ACMG Guidelines, 2015. Collection method: clinical testing. Allele origin: germline. Affected: yes.

GeneDx
Classification: Uncertain significance. Last evaluated: 2020-06-17. Review status: criteria provided, single submitter. Criteria: GeneDx Variant Classification Process June 2021. Collection method: clinical testing. Allele origin: germline. Affected: yes.
Comment: Observed in individuals with breast cancer or leukemia (Xu 2015, Liu 2018); In silico analysis, which includes protein predictors and evolutionary conservation, supports that this variant does not alter protein structure/function; This variant is associated with the following publications: (PMID: 30634138, 9132280, 16354195, 30443844, 26104880)

Color Diagnostics, LLC DBA Color Health
Classification: Uncertain significance for Hereditary cancer-predisposing syndrome. Last evaluated: 2019-03-18. Review status: criteria provided, single submitter. Criteria: ACMG Guidelines, 2015. Collection method: clinical testing. Allele origin: germline.

Literature cited by the submitters: PubMed 26104880 (cited by Labcorp Genetics (formerly Invitae), Labcorp and Ambry Genetics); PubMed 9425228 (cited by Labcorp Genetics (formerly Invitae), Labcorp); PubMed 17047042 (cited by Labcorp Genetics (formerly Invitae), Labcorp); PubMed 19260062 (cited by Labcorp Genetics (formerly Invitae), Labcorp); PubMed 20340316 (cited by Labcorp Genetics (formerly Invitae), Labcorp); PubMed 21462282 (cited by Labcorp Genetics (formerly Invitae), Labcorp); PubMed 22841127 (cited by Labcorp Genetics (formerly Invitae), Labcorp); PubMed 24660985 (cited by Labcorp Genetics (formerly Invitae), Labcorp); PubMed 30443844 (cited by Ambry Genetics).